The following is an entry in ClinVar:

NM_022455.5(NSD1):c.1364T>C (p.Met455Thr)

Gene: NSD1 (nuclear receptor binding SET domain protein 1; plus strand). Cytogenetic location: 5q35.3.
Variant type: single nucleotide variant.
Coding change: c.1364T>C on transcript NM_022455.5 (MANE Select); coding-DNA position 1364, T replaced by C.
Protein change: p.Met455Thr; replaces methionine 455 with threonine.
Molecular consequence: missense variant.
Genome position (GRCh38, 1-based): chr5:177,209,763, T>C. VCF-style: chr5-177209763-T-C. GRCh37 (hg19) VCF-style: chr5-176636764-T-C.
Other names: c.491T>C, p.Met164Thr (NM_001365684.2, NM_001409306.1, NM_001409307.1 and 3 more transcripts); c.1364T>C, p.Met455Thr (NM_001409301.1, NM_001409302.1, NM_001409303.1); c.944T>C, p.Met315Thr (NM_001409304.1); c.611T>C, p.Met204Thr (NM_001409305.1); short protein forms M186T, M204T, M315T, M164T.
Identifiers: ClinVar variation 96034 (VCV000096034.49), dbSNP rs143585233, ClinGen allele CA223639.

ClinVar aggregate classification (germline): Conflicting classifications of pathogenicity. Review status: criteria provided, conflicting classifications (1 of 4 stars). 9 submissions from 9 submitters: Uncertain significance (1); Benign (3); Likely benign (4). 1 of the submissions does not count toward it. Last evaluated 2025-10-23.

Conditions:
NSD1-related disorder. Also called: NSD1-related condition.
Sotos syndrome (SOTOS). Also called: Distinctive facial appearance, overgrowth in childhood, and learning disabilities or delayed development; SOTOS SYNDROME 1; Sotos' syndrome; CEREBRAL GIGANTISM; CHROMOSOME 5q35 DELETION SYNDROME. Identifiers: Orphanet 821, MedGen C0175695, MONDO:0019349, OMIM 117550.
Inborn genetic diseases. Identifiers: MedGen C0950123, MeSH D030342.

Allele frequency attached by ClinVar (database versions not stated): gnomAD exomes 0.00013 and 0.00018; gnomAD 0.00009 and 0.00010; ExAC 0.00028; TOPMed 0.00011; ESP Exome Variant Server 0.00015.
gnomAD v4.1: 207 of 1,613,978 alleles (0.013%); highest among the groups gnomAD compares: Non-Finnish European, 0.016%; no homozygotes.

Submissions (9):

Labcorp Genetics (formerly Invitae), Labcorp
Classification: Benign. Last evaluated: 2025-10-23. Review status: criteria provided, single submitter. Criteria: Invitae Variant Classification Sherloc (09022015). Collection method: clinical testing. Allele origin: germline.

Women's Health and Genetics/Laboratory Corporation of America, LabCorp
Classification: Likely benign. Last evaluated: 2024-11-20. Review status: criteria provided, single submitter. Criteria: LabCorp Variant Classification Summary - May 2015. Collection method: clinical testing. Allele origin: germline.
Comment: Variant summary: NSD1 c.1364T>C (p.Met455Thr) results in a non-conservative amino acid change in the encoded protein sequence. Four of five in-silico tools predict a benign effect of the variant on protein function. The variant allele was found at a frequency of 0.00018 in 251456 control chromosomes. The observed variant frequency is approximately 3 fold of the estimated maximal expected allele frequency for a pathogenic variant in NSD1 causing Sotos Syndrome phenotype (7.1e-05). To our knowledge, no experimental evidence demonstrating this variant's impact on protein function have been reported. ClinVar contains an entry for this variant (Variation ID: 96034). Based on the evidence outlined above, the variant was classified as likely benign.

Blueprint Genetics
Classification: Likely benign. Last evaluated: 2024-10-31. Review status: criteria provided, single submitter. Criteria: ACMG Guidelines, 2015. Collection method: clinical testing. Allele origin: germline.

CeGaT Center for Human Genetics Tuebingen
Classification: Likely benign. Last evaluated: 2023-05-01. Review status: criteria provided, single submitter. Criteria: CeGaT Center For Human Genetics Tuebingen Variant Classification Criteria Version 2. Collection method: clinical testing. Allele origin: germline. Affected: yes. Observed: 1 variant allele.
Comment: NSD1: BS2

Genome-Nilou Lab
Classification: Benign for Sotos syndrome. Last evaluated: 2021-07-15. Review status: criteria provided, single submitter. Criteria: ACMG Guidelines, 2015. Collection method: clinical testing. Allele origin: germline. Affected: no.

GeneDx
Classification: Benign. Last evaluated: 2020-07-31. Review status: criteria provided, single submitter. Criteria: GeneDx Variant Classification Process June 2021. Collection method: clinical testing. Allele origin: germline. Affected: yes.
Comment: This variant is associated with the following publications: (PMID: 15742365)

Ambry Genetics
Classification: Likely benign for Inborn genetic diseases. Last evaluated: 2016-12-20. Review status: criteria provided, single submitter. Criteria: Ambry Variant Classification Scheme 2023. Collection method: clinical testing. Allele origin: germline.

Eurofins Ntd Llc (ga)
Classification: Uncertain significance. Last evaluated: 2013-10-24. Review status: criteria provided, single submitter. Criteria: EGL Classification Definitions 2015. Collection method: clinical testing. Allele origin: germline. Observed: 1 variant allele, 1 heterozygote.

PreventionGenetics, part of Exact Sciences
Classification: Likely benign for NSD1-related condition. Last evaluated: 2022-08-15. Review status: no assertion criteria provided. Collection method: clinical testing. Allele origin: germline. Not counted in ClinVar's aggregate classification.
Comment: This variant is classified as likely benign based on ACMG/AMP sequence variant interpretation guidelines (Richards et al. 2015 PMID: 25741868, with internal and published modifications).